The following is an entry in ClinVar:

NM_001999.4(FBN2):c.3244G>A (p.Gly1082Arg)

Gene: FBN2 (fibrillin 2; minus strand). Cytogenetic location: 5q23.3.
Variant type: single nucleotide variant.
Coding change: c.3244G>A on transcript NM_001999.4 (MANE Select); coding-DNA position 3244, G replaced by A.
Protein change: p.Gly1082Arg; replaces glycine 1082 with arginine.
Molecular consequence: missense variant.
Genome position (GRCh38, 1-based): chr5:128,344,484, C>T on the plus strand (G>A on the coding strand, the complement: FBN2 is on the minus strand). VCF-style: chr5-128344484-C-T. GRCh37 (hg19) VCF-style: chr5-127680176-C-T.
Other names: p.Gly1082Arg; short protein forms G1082R.
Identifiers: ClinVar variation 3379602 (VCV003379602.1).

ClinVar aggregate classification (germline): Uncertain significance (1 of 4 stars; one submission).

gnomAD v4.1: 1 of 1,613,566 alleles (0.000062%); highest among the groups gnomAD compares: Admixed American, 0.0017%; no homozygotes.

Submission:

Mayo Clinic Laboratories, Mayo Clinic
Classification: Uncertain significance. Last evaluated: 2024-05-23. Review status: criteria provided, single submitter. Criteria: ACMG Guidelines, 2015. Collection method: clinical testing. Allele origin: germline. Observed: 1 variant allele.
Comment: PP2, PM2